The following is an entry in ClinVar:

ClinVar aggregate classification (germline): Benign (0 of 4 stars; one submission).

Conditions:
SEMA6D-related disorder. Also called: SEMA6D-related condition.

Allele frequency attached by ClinVar (database versions not stated): gnomAD exomes 0.01337; ExAC 0.03996; ESP Exome Variant Server 0.07721; TOPMed 0.08004; 1000 Genomes Project 0.12660; 1000 Genomes Project 30x 0.12976.
gnomAD v4.1: 31,569 of 1,612,980 alleles (2%); highest among the groups gnomAD compares: African/African-American, 24%; 2,930 homozygotes.

Submission:

PreventionGenetics, part of Exact Sciences
Classification: Benign for SEMA6D-related condition. Last evaluated: 2020-01-14. Review status: no assertion criteria provided. Collection method: clinical testing. Allele origin: germline.
Comment: This variant is classified as benign based on ACMG/AMP sequence variant interpretation guidelines (Richards et al. 2015 PMID: 25741868, with internal and published modifications).

NM_001358351.3(SEMA6D):c.204A>C (p.Thr68=)

Gene: SEMA6D (semaphorin 6D; plus strand). Cytogenetic location: 15q21.1.
Variant type: single nucleotide variant.
Coding change: c.204A>C on transcript NM_001358351.3 (MANE Select); coding-DNA position 204, A replaced by C.
Protein change: p.Thr68=; no amino-acid change (threonine 68 retained).
Molecular consequence: synonymous variant.
Genome position (GRCh38, 1-based): chr15:47,760,398, A>C. VCF-style: chr15-47760398-A-C. GRCh37 (hg19) VCF-style: chr15-48052595-A-C.
Other names: c.204A>C, p.Thr68= (NM_001198999.2, NM_001358352.2, NM_020858.2 and 5 more transcripts).
Identifiers: ClinVar variation 3055596 (VCV003055596.2), dbSNP rs1866501, ClinGen allele CA7544940.
Genomic context (GRCh38, chr15:47,760,398, plus strand): 5'-TTCAGGCAATGAATCGCAGCACAGGCTGGACTTTCAGCTGATGTTGAAAATTCGAGACAC[A>C]CTTTATATTGCTGGCAGGTAATTTTCCTCTCATTGGTTTATTAGATTAAAATTCTTTTCT-3'
Protein context (NP_001345280.1, residues 58-78): DFQLMLKIRD[Thr68=]LYIAGRDQVY